The following is an entry in ClinVar:

NM_000529.2(MC2R):c.735C>A (p.Cys245Ter)

Gene: MC2R (melanocortin 2 receptor; minus strand). Cytogenetic location: 18p11.21.
Variant type: single nucleotide variant.
Coding change: c.735C>A on transcript NM_000529.2 (MANE Select); coding-DNA position 735, C replaced by A.
Protein change: p.Cys245Ter; replaces cysteine 245 with a stop codon.
Molecular consequence: nonsense.
Genome position (GRCh38, 1-based): chr18:13,884,784, G>T on the plus strand (C>A on the coding strand, the complement: MC2R is on the minus strand). VCF-style: chr18-13884784-G-T. GRCh37 (hg19) VCF-style: chr18-13884783-G-T.
Other names: c.735C>A, p.Cys245Ter (NM_001291911.1); short protein forms C245*.
Identifiers: ClinVar variation 4974765 (VCV004974765.1).
Genomic context (GRCh38, chr18:13,884,784, plus strand): 5'-GATCAACATGCCGTTCACCTGGAAGAGAGACATGTAGCAGGCGCAGTAGGGGTTACTTGG[G>T]CAGAATGTCATCAAGAGGACATGAAGCACAAAGGGGGCCCAGCAGAAGATGAAGACCCCG-3'

ClinVar aggregate classification (germline): Likely pathogenic (1 of 4 stars; one submission).

Conditions:
Glucocorticoid deficiency 1 (GCCD1). Also called: Adrenal unresponsiveness to acth; FAMILIAL GLUCOCORTICOID DEFICIENCY 1; Glucocorticoid deficiency, due to ACTH unresponsiveness. Identifiers: Orphanet 361, MedGen C4049650, MONDO:0024536, OMIM 202200.

Submission:

Kasturba Medical College, Manipal, Kasturba Medical College, Manipal, Manipal Academy of Higher Education, Manipal, India
Classification: Likely pathogenic for Glucocorticoid deficiency 1. Last evaluated: 2026-08-28. Review status: criteria provided, single submitter. Criteria: ACMG Guidelines, 2015. Collection method: research. Allele origin: biparental. Inheritance: Autosomal recessive inheritance. Affected: yes. Observed: 1 variant allele, 1 homozygote.
Comment: This variant is absent in heterozygous and/or homozygous state in gnomAD (v4.1.1) and in our inhouse database of 4334 exomes.